The following is an entry in ClinVar:

ClinVar aggregate classification (germline): Pathogenic (1 of 4 stars; one submission).

Conditions:
Ataxia-telangiectasia syndrome (AT). Also called: Cerebello-oculocutaneous telangiectasia; Immunodeficiency with ataxia telangiectasia; Ataxia-telangiectasia, complementation group D; AT, COMPLEMENTATION GROUP C; Ataxia-telangiectasia, complementation group E; LOUIS-BAR SYNDROME. Identifiers: Orphanet 100, MedGen C0004135, MONDO:0008840, OMIM 208900.

Submission:

Labcorp Genetics (formerly Invitae), Labcorp
Classification: Pathogenic for Ataxia-telangiectasia syndrome. Last evaluated: 2017-07-14. Review status: criteria provided, single submitter. Criteria: Invitae Variant Classification Sherloc (09022015). Collection method: clinical testing. Allele origin: germline.
Comment: This variant is a gross deletion of the genomic region encompassing part of exon 20 of the ATM gene, including the intron 19-exon 20 boundary (c.2922-50_2938del). This likely creates a premature translational stop signal and is expected to result in an absent or disrupted protein product. For these reasons, this variant has been classified as Pathogenic. Loss-of-function variants including gross deletions in ATM are known to be pathogenic (PMID: 25614872, 23807571). This variant has not been reported in the literature in individuals with ATM-related disease. This variant is not present in population databases (ExAC no frequency).

Literature cited by the submitters: PubMed 25614872; PubMed 23807571.

NM_000051.4(ATM):c.2922-50_2938del

Gene: ATM (ATM serine/threonine kinase; plus strand). Cytogenetic location: 11q22.3.
Variant type: Deletion.
Coding change: c.2922-50_2938del on transcript NM_000051.4 (MANE Select); 50 bases into the intron before coding-DNA position 2922 through coding-DNA position 2938, 67 bases deleted.
Molecular consequence: splice acceptor variant.
Genome position (GRCh38, 1-based): chr11:108,271,201-108,271,267, 67 bases deleted. GRCh37 (hg19): chr11:108,141,928-108,141,994.
Other names: c.2922-50_2938del (NM_001351834.2); c.2922-50_2938delGTGTTCTGTTAAGCTTATAAAGTTGAACTTTTTTTTTTTTTTTACCACAGCAATGTGTGTTCTTTGT (NM_000051.3).
Identifiers: ClinVar variation 453439 (VCV000453439.7), dbSNP rs1555084836, ClinGen allele CA658656157.